The following is an entry in ClinVar:

ClinVar aggregate classification (germline): Uncertain significance (1 of 4 stars; one submission).

Conditions:
Leukocyte adhesion deficiency 1 (LAD1). Also called: LEUKOCYTE ADHESION DEFICIENCY, TYPE I; LAD 1; Lymphocyte function-associated antigen 1 immunodeficiency; LFA 1 immunodeficiency. Identifiers: Orphanet 2968, Orphanet 99842, MedGen C0398738, MONDO:0007293, OMIM 116920.

Allele frequency attached by ClinVar (database versions not stated): gnomAD exomes 0.00001; ExAC 0.00002; TOPMed 0.00004.
gnomAD v4.1: 23 of 1,613,382 alleles (0.0014%); highest among the groups gnomAD compares: South Asian, 0.0055%; no homozygotes.

Submission:

Labcorp Genetics (formerly Invitae), Labcorp
Classification: Uncertain significance for Leukocyte adhesion deficiency 1. Last evaluated: 2022-12-27. Review status: criteria provided, single submitter. Criteria: Invitae Variant Classification Sherloc (09022015). Collection method: clinical testing. Allele origin: germline.
Comment: In summary, the available evidence is currently insufficient to determine the role of this variant in disease. Therefore, it has been classified as a Variant of Uncertain Significance. Algorithms developed to predict the effect of missense changes on protein structure and function (SIFT, PolyPhen-2, Align-GVGD) all suggest that this variant is likely to be tolerated. ClinVar contains an entry for this variant (Variation ID: 1047805). This variant has not been reported in the literature in individuals affected with ITGB2-related conditions. This variant is present in population databases (rs745512221, gnomAD 0.006%). This sequence change replaces glycine, which is neutral and non-polar, with serine, which is neutral and polar, at codon 526 of the ITGB2 protein (p.Gly526Ser).

NM_000211.5(ITGB2):c.1576G>A (p.Gly526Ser)

Gene: ITGB2 (integrin subunit beta 2; minus strand). Cytogenetic location: 21q22.3.
Variant type: single nucleotide variant.
Coding change: c.1576G>A on transcript NM_000211.5 (MANE Select); coding-DNA position 1576, G replaced by A.
Protein change: p.Gly526Ser; replaces glycine 526 with serine.
Molecular consequence: missense variant.
Genome position (GRCh38, 1-based): chr21:44,890,059, C>T on the plus strand (G>A on the coding strand, the complement: ITGB2 is on the minus strand). VCF-style: chr21-44890059-C-T. GRCh37 (hg19) VCF-style: chr21-46309974-C-T.
Other names: c.1576G>A, p.Gly526Ser (NM_001127491.3); c.1369G>A, p.Gly457Ser (NM_001303238.2); short protein forms G457S, G526S.
Identifiers: ClinVar variation 1047805 (VCV001047805.5), dbSNP rs745512221, ClinGen allele CA10062779.